The following is an entry in ClinVar:

NM_003560.4(PLA2G6):c.185C>T (p.Pro62Leu)

Gene: PLA2G6 (phospholipase A2 group VI; minus strand). Cytogenetic location: 22q13.1.
Variant type: single nucleotide variant.
Coding change: c.185C>T on transcript NM_003560.4 (MANE Select); coding-DNA position 185, C replaced by T.
Protein change: p.Pro62Leu; replaces proline 62 with leucine.
Molecular consequence: missense variant. On other transcripts: 5 prime UTR variant (3).
Genome position (GRCh38, 1-based): chr22:38,169,242, G>A on the plus strand (C>T on the coding strand, the complement: PLA2G6 is on the minus strand). VCF-style: chr22-38169242-G-A. GRCh37 (hg19) VCF-style: chr22-38565249-G-A.
Other names: c.185C>T (NM_003560.2); c.185C>T, p.Pro62Leu (NM_001004426.3, NM_001199562.3, NM_001349864.2 and 2 more transcripts); c.-481C>T (NM_001349867.2, NM_001349869.2); c.-306C>T (NM_001349868.2); short protein forms P62L.
Identifiers: ClinVar variation 1369661 (VCV001369661.4), dbSNP rs377025797, ClinGen allele CA10231355.
Genomic context (GRCh38, chr22:38,169,242, plus strand): 5'-AAGGAGAGAAGTATGTTCCCGCTGAGCATCACCCACCGGAATCCACTCTGTGAGTTCCTG[G>A]GGTTGACCAGGACGCAGTCCCAGGTGCGGTTGGGAGTGTTCTGGAACAGAATCAGCTGCC-3'
Protein context (NP_003551.2, residues 52-72): NRTWDCVLVN[Pro62Leu]RNSQSGFRLF

ClinVar aggregate classification (germline): Uncertain significance. Review status: criteria provided, multiple submitters, no conflicts (2 of 4 stars). 2 submissions from 2 submitters: Uncertain significance (2). Last evaluated 2025-08-30.

Conditions:
Infantile neuroaxonal dystrophy (NBIA2A). Also called: NEURODEGENERATION WITH BRAIN IRON ACCUMULATION 2A; SEITELBERGER DISEASE; Infantile neuroaxonal dystrophy 1. Identifiers: Orphanet 35069, MedGen C0270724, MONDO:0024457, OMIM 256600.
Inborn genetic diseases. Identifiers: MedGen C0950123, MeSH D030342.

Allele frequency attached by ClinVar (database versions not stated): gnomAD exomes 0.00001; ExAC 0.00001; gnomAD 0.00009 and 0.00007; TOPMed 0.00009; ESP Exome Variant Server 0.00023.
gnomAD v4.1: 33 of 1,613,910 alleles (0.002%); highest among the groups gnomAD compares: African/African-American, 0.036%; no homozygotes.

Submissions (2):

Ambry Genetics
Classification: Uncertain significance for Inborn genetic diseases. Last evaluated: 2025-08-30. Review status: criteria provided, single submitter. Criteria: Ambry Variant Classification Scheme 2023. Collection method: clinical testing. Allele origin: germline.

Labcorp Genetics (formerly Invitae), Labcorp
Classification: Uncertain significance for Infantile neuroaxonal dystrophy. Last evaluated: 2022-09-27. Review status: criteria provided, single submitter. Criteria: Invitae Variant Classification Sherloc (09022015). Collection method: clinical testing. Allele origin: germline.
Comment: This sequence change replaces proline, which is neutral and non-polar, with leucine, which is neutral and non-polar, at codon 62 of the PLA2G6 protein (p.Pro62Leu). This variant is present in population databases (rs377025797, gnomAD 0.008%). This variant has not been reported in the literature in individuals affected with PLA2G6-related conditions. ClinVar contains an entry for this variant (Variation ID: 1369661). Algorithms developed to predict the effect of missense changes on protein structure and function (SIFT, PolyPhen-2, Align-GVGD) all suggest that this variant is likely to be disruptive. In summary, the available evidence is currently insufficient to determine the role of this variant in disease. Therefore, it has been classified as a Variant of Uncertain Significance.